The following is an entry in ClinVar:

NM_006486.3(FBLN1):c.1973-5C>A

Gene: FBLN1 (fibulin 1; plus strand). Cytogenetic location: 22q13.31.
Variant type: single nucleotide variant.
Coding change: c.1973-5C>A on transcript NM_006486.3 (MANE Select); 5 bases into the intron before coding-DNA position 1973, C replaced by A.
Molecular consequence: intron variant.
Genome position (GRCh38, 1-based): chr22:45,600,302, C>A. VCF-style: chr22-45600302-C-A. GRCh37 (hg19) VCF-style: chr22-45996182-C-A.
Identifiers: ClinVar variation 1406744 (VCV001406744.6), dbSNP rs376739185, ClinGen allele CA753624912.

ClinVar aggregate classification (germline): Uncertain significance (1 of 4 stars; one submission).

gnomAD v4.1: 3 of 1,614,106 alleles (0.00019%); highest among the groups gnomAD compares: Non-Finnish European, 0.00025%; no homozygotes.

Submission:

Labcorp Genetics (formerly Invitae), Labcorp
Classification: Uncertain significance. Last evaluated: 2024-10-25. Review status: criteria provided, single submitter. Criteria: Invitae Variant Classification Sherloc (09022015). Collection method: clinical testing. Allele origin: germline.
Comment: This sequence change falls in intron 16 of the FBLN1 gene. It does not directly change the encoded amino acid sequence of the FBLN1 protein. This variant is not present in population databases (gnomAD no frequency). This variant has not been reported in the literature in individuals affected with FBLN1-related conditions. ClinVar contains an entry for this variant (Variation ID: 1406744). Algorithms developed to predict the effect of sequence changes on RNA splicing suggest that this variant may disrupt the consensus splice site. In summary, the available evidence is currently insufficient to determine the role of this variant in disease. Therefore, it has been classified as a Variant of Uncertain Significance.